The following is an entry in ClinVar:

NM_002458.3(MUC5B):c.7433C>T (p.Thr2478Ile)

Genes: MUC5B (mucin 5B, oligomeric mucus/gel-forming; plus strand), MUC5B-AS1 (MUC5B antisense RNA 1; minus strand). Cytogenetic location: 11p15.5.
Variant type: single nucleotide variant.
Coding change: c.7433C>T on transcript NM_002458.3 (MANE Select); coding-DNA position 7433, C replaced by T.
Protein change: p.Thr2478Ile; replaces threonine 2478 with isoleucine.
Molecular consequence: missense variant.
Genome position (GRCh38, 1-based): chr11:1,244,313, C>T. VCF-style: chr11-1244313-C-T. GRCh37 (hg19) VCF-style: chr11-1265543-C-T.
Other names: short protein forms T2478I.
Identifiers: ClinVar variation 2381206 (VCV002381206.4), dbSNP rs368367812, ClinGen allele CA5806305.
Genomic context (GRCh38, chr11:1,244,313, plus strand): 5'-CCCCAGGGACCACCTGGATCCTCACAGAGCCGAGCACTACAGCCACCGTGACGGTGCCCA[C>T]CGGATCCACGGCCACCGCCTCCTCCACCCAGGCAACTGCTGGCACCCCACATGTGAGCAC-3'
Protein context (NP_002449.2, residues 2468-2488): PSTTATVTVP[Thr2478Ile]GSTATASSTQ

ClinVar aggregate classification (germline): Conflicting classifications of pathogenicity. Review status: criteria provided, conflicting classifications (1 of 4 stars). 2 submissions from 2 submitters: Uncertain significance (1); Likely benign (1). Last evaluated 2026-04-01.

Allele frequency attached by ClinVar (database versions not stated): ExAC 0.00048; gnomAD 0.00061; ESP Exome Variant Server 0.00093.
gnomAD v4.1: 1,554 of 1,604,622 alleles (0.097%); highest among the groups gnomAD compares: Non-Finnish European, 0.12%; 1 homozygote.

Submissions (2):

CeGaT Center for Human Genetics Tuebingen
Classification: Likely benign. Last evaluated: 2026-04-01. Review status: criteria provided, single submitter. Criteria: CeGaT Center For Human Genetics Tuebingen Variant Classification Criteria Version 2. Collection method: clinical testing. Allele origin: germline. Affected: yes. Observed: 1 variant allele.
Comment: MUC5B: BP4, BS1

Ambry Genetics
Classification: Uncertain significance. Last evaluated: 2021-07-14. Review status: criteria provided, single submitter. Criteria: Ambry Variant Classification Scheme 2023. Collection method: clinical testing. Allele origin: germline.